The following is an entry in ClinVar:

NM_001723.7(DST):c.4769T>C (p.Met1590Thr)

Gene: DST (dystonin; minus strand). Cytogenetic location: 6p12.1.
Variant type: single nucleotide variant.
Coding change: c.4769T>C on transcript NM_001723.7 (MANE Plus Clinical); coding-DNA position 4769, T replaced by C.
Protein change: p.Met1590Thr; replaces methionine 1590 with threonine.
Molecular consequence: missense variant. On other transcripts: intron variant (10).
Genome position (GRCh38, 1-based): chr6:56,619,265, A>G on the plus strand (T>C on the coding strand, the complement: DST is on the minus strand). VCF-style: chr6-56619265-A-G. GRCh37 (hg19) VCF-style: chr6-56484063-A-G.
Other names: c.4831-4781T>C (NM_001144769.5); c.4930-4781T>C (NM_001374722.1, NM_001374736.1); c.4957-4781T>C (NM_001374734.1); c.4417-4781T>C (NM_001144770.2); c.4297-4781T>C (NM_001374730.1, NM_001386100.1, NM_183380.4 and 1 more transcripts); c.3319-4781T>C (NM_015548.5); short protein forms M1590T.
Identifiers: ClinVar variation 1410413 (VCV001410413.8), dbSNP rs758328771, ClinGen allele CA3870481.

ClinVar aggregate classification (germline): Uncertain significance (1 of 4 stars; one submission).

Conditions:
Hereditary sensory and autonomic neuropathy type 6. Also called: Neuropathy, hereditary sensory and autonomic, type VI; HSAN VI. Identifiers: Orphanet 314381, MedGen C3539003, MONDO:0013839, OMIM 614653.
Epidermolysis bullosa simplex 3, localized or generalized intermediate, with BP230 deficiency (EBS3). Also called: Epidermolysis bullosa simplex, autosomal recessive 2; Epidermolysis bullosa simplex due to BP230 deficiency. Identifiers: Orphanet 412181, MedGen C3809470, MONDO:0014180, OMIM 615425.

Allele frequency attached by ClinVar (database versions not stated): ExAC 0.00001; gnomAD 0.00001 and 0.00002; TOPMed 0.00005.
gnomAD v4.1: 12 of 1,612,980 alleles (0.00074%); highest among the groups gnomAD compares: Admixed American, 0.0067%; no homozygotes.

Submission:

Labcorp Genetics (formerly Invitae), Labcorp
Classification: Uncertain significance for Epidermolysis bullosa simplex 3, localized or generalized intermediate, with BP230 deficiency; Hereditary sensory and autonomic neuropathy type 6. Last evaluated: 2024-07-29. Review status: criteria provided, single submitter. Criteria: Invitae Variant Classification Sherloc (09022015). Collection method: clinical testing. Allele origin: germline.
Comment: This sequence change replaces methionine, which is neutral and non-polar, with threonine, which is neutral and polar, at codon 1590 of the DST protein (p.Met1590Thr). This variant is present in population databases (rs758328771, gnomAD 0.003%). This variant has not been reported in the literature in individuals affected with DST-related conditions. ClinVar contains an entry for this variant (Variation ID: 1410413). An algorithm developed to predict the effect of missense changes on protein structure and function (PolyPhen-2) suggests that this variant is likely to be disruptive. In summary, the available evidence is currently insufficient to determine the role of this variant in disease. Therefore, it has been classified as a Variant of Uncertain Significance.